The following is an entry in ClinVar:

ClinVar aggregate classification (germline): Uncertain significance. Review status: criteria provided, multiple submitters, no conflicts (2 of 4 stars). 2 submissions from 2 submitters: Uncertain significance (2). Last evaluated 2025-04-09.

Conditions:
Congenital microcephaly - severe encephalopathy - progressive cerebral atrophy syndrome. Also called: Asparagine synthetase deficiency; ASNS DEFICIENCY. Identifiers: Orphanet 391376, MedGen C3809971, MONDO:0014258, OMIM 615574.

Allele frequency attached by ClinVar (database versions not stated): gnomAD exomes below 0.00001.

Submissions (2):

Institute of Human Genetics, University of Leipzig Medical Center
Classification: Uncertain significance for Congenital microcephaly - severe encephalopathy - progressive cerebral atrophy syndrome. Last evaluated: 2025-04-09. Review status: criteria provided, single submitter. Criteria: ACMG Guidelines, 2015. Collection method: clinical testing. Allele origin: de novo. Inheritance: Autosomal recessive inheritance. Affected: yes.
Comment: Criteria applied: PM2,PS2

CeGaT Center for Human Genetics Tuebingen
Classification: Uncertain significance. Last evaluated: 2022-02-01. Review status: criteria provided, single submitter. Criteria: CeGaT Center For Human Genetics Tuebingen Variant Classification Criteria Version 2. Collection method: clinical testing. Allele origin: germline. Affected: yes. Observed: 1 variant allele.

NM_001673.5(ASNS):c.631C>T (p.Pro211Ser)

Genes: ASNS (asparagine synthetase (glutamine-hydrolyzing); minus strand), CZ1P-ASNS (CZ1P-ASNS readthrough; minus strand). Cytogenetic location: 7q21.3.
Variant type: single nucleotide variant.
Coding change: c.631C>T on transcript NM_001673.5 (MANE Select); coding-DNA position 631, C replaced by T.
Protein change: p.Pro211Ser; replaces proline 211 with serine.
Molecular consequence: missense variant. On other transcripts: non-coding transcript variant (1).
Genome position (GRCh38, 1-based): chr7:97,859,255, G>A on the plus strand (C>T on the coding strand, the complement: ASNS is on the minus strand). VCF-style: chr7-97859255-G-A. GRCh37 (hg19) VCF-style: chr7-97488567-G-A.
Other names: c.568C>T, p.Pro190Ser (NM_001178075.2); c.382C>T, p.Pro128Ser (NM_001178076.2, NM_001178077.1); c.631C>T, p.Pro211Ser (NM_001352496.2, NM_133436.3, NM_183356.4); short protein forms P128S, P190S, P211S.
Identifiers: ClinVar variation 1676071 (VCV001676071.34), dbSNP rs2115659057, ClinGen allele CA368269629.